The following is an entry in ClinVar:

ClinVar aggregate classification (germline): Uncertain significance (1 of 4 stars; one submission).

Conditions:
Cardiomyopathy (CMYO). Also called: Cardiomyopathies. Identifiers: Orphanet 167848, MedGen C0878544, MONDO:0004994, HP:0001638. Inheritance: Various modes of inheritance.

Submission:

Color Diagnostics, LLC DBA Color Health
Classification: Uncertain significance for Cardiomyopathy. Last evaluated: 2023-12-05. Review status: criteria provided, single submitter. Criteria: ACMG Guidelines, 2015. Collection method: clinical testing. Allele origin: germline.
Comment: This missense variant replaces glutamic acid with leucine at codon 262 of the lamins A/C protein. Computational prediction tools and conservation analyses are inconclusive regarding the impact of this variant on the protein function. Computational splicing tools suggest that this variant may not impact RNA splicing. To our knowledge, functional assays have not been performed for this variant nor has this variant been reported in individuals affected with cardiovascular disorders in the literature. This variant has not been identified in the general population by the Genome Aggregation Database (gnomAD). Available evidence is insufficient to determine the role of this variant in disease conclusively. Therefore, this variant is classified as a Variant of Uncertain Significance.

NM_170707.4(LMNA):c.784_785delinsTT (p.Glu262Leu)

Gene: LMNA (lamin A/C; plus strand). Cytogenetic location: 1q22.
Variant type: Indel.
Coding change: c.784_785delinsTT on transcript NM_170707.4 (MANE Select); coding-DNA positions 784 to 785, GA replaced by TT.
Protein change: p.Glu262Leu; replaces glutamic acid 262 with leucine.
Molecular consequence: missense variant.
Genome position (GRCh38, 1-based): chr1:156,134,949-156,134,950, GA replaced by TT. VCF-style: chr1-156134949-GA-TT. GRCh37 (hg19) VCF-style: chr1-156104740-GA-TT.
Other names: c.448_449delinsTT, p.Glu150Leu (NM_001257374.3); c.541_542delinsTT, p.Glu181Leu (NM_001282624.2); c.784_785delinsTT, p.Glu262Leu (NM_001282625.2, NM_001282626.2, NM_005572.4 and 1 more transcripts); short protein forms E181L, E150L, E262L.
Identifiers: ClinVar variation 921037 (VCV000921037.5), dbSNP rs1651415727, ClinGen allele CA913189050.
Genomic context (GRCh38, chr1:156,134,949, plus strand): 5'-GCGGATGCGCTGCAGGAACTGCGGGCCCAGCATGAGGACCAGGTGGAGCAGTATAAGAAG[GA>TT]GCTGGAGAAGACTTATTCTGCCAAGGTGCTTGCTCTCGATTGGTTCCCTCACTGCCTCTG-3'
Protein context (NP_733821.1, residues 252-272): HEDQVEQYKK[Glu262Leu]LEKTYSAKLD